The following is an entry in ClinVar:

ClinVar aggregate classification (germline): Likely benign (0 of 4 stars; one submission).

Conditions:
PTPRJ-related disorder. Also called: PTPRJ-related condition.

gnomAD v4.1: 1 of 1,613,582 alleles (0.000062%); highest among the groups gnomAD compares: South Asian, 0.0011%; no homozygotes.

Submission:

PreventionGenetics, part of Exact Sciences
Classification: Likely benign for PTPRJ-related condition. Last evaluated: 2019-04-24. Review status: no assertion criteria provided. Collection method: clinical testing. Allele origin: germline.
Comment: This variant is classified as likely benign based on ACMG/AMP sequence variant interpretation guidelines (Richards et al. 2015 PMID: 25741868, with internal and published modifications).

NM_002843.4(PTPRJ):c.3441C>G (p.Thr1147=)

Gene: PTPRJ (protein tyrosine phosphatase receptor type J; plus strand). Cytogenetic location: 11p11.2.
Variant type: single nucleotide variant.
Coding change: c.3441C>G on transcript NM_002843.4 (MANE Select); coding-DNA position 3441, C replaced by G.
Protein change: p.Thr1147=; no amino-acid change (threonine 1147 retained).
Molecular consequence: synonymous variant.
Genome position (GRCh38, 1-based): chr11:48,159,932, C>G. VCF-style: chr11-48159932-C-G. GRCh37 (hg19) VCF-style: chr11-48181484-C-G.
Identifiers: ClinVar variation 3352915 (VCV003352915.1).